The following is an entry in ClinVar:

NM_003059.3(SLC22A4):c.1192C>T (p.Arg398Cys)

Genes: MIR3936HG (MIR3936 host gene; minus strand), SLC22A4 (solute carrier family 22 member 4; plus strand). Cytogenetic location: 5q31.1.
Variant type: single nucleotide variant.
Coding change: c.1192C>T on transcript NM_003059.3 (MANE Select); coding-DNA position 1192, C replaced by T.
Protein change: p.Arg398Cys; replaces arginine 398 with cysteine.
Molecular consequence: missense variant. On other transcripts: non-coding transcript variant (1).
Genome position (GRCh38, 1-based): chr5:132,334,863, C>T. VCF-style: chr5-132334863-C-T. GRCh37 (hg19) VCF-style: chr5-131670556-C-T.
Other names: short protein forms R398C.
Identifiers: ClinVar variation 4983488 (VCV004983488.1).

ClinVar aggregate classification (germline): Uncertain significance (1 of 4 stars; one submission).

Conditions:
SLC22A4-related disorder. Also called: SLC22A4-related condition.

gnomAD v4.1: 24 of 1,613,824 alleles (0.0015%); highest among the groups gnomAD compares: East Asian, 0.027%; no homozygotes.

Submission:

PreventionGenetics, part of Exact Sciences
Classification: Uncertain significance for SLC22A4-related condition. Last evaluated: 2025-02-10. Review status: criteria provided, single submitter. Criteria: ACMG Guidelines, 2015. Collection method: clinical testing. Allele origin: germline.
Comment: The SLC22A4 c.1192C>T variant is predicted to result in the amino acid substitution p.Arg398Cys. To our knowledge, this variant has not been reported in the literature. This variant is reported in 0.065% of alleles in individuals of East Asian descent in gnomAD. Although we suspect that this variant may be benign, at this time, the clinical significance of this variant is uncertain due to the absence of conclusive functional and genetic evidence.